The following is an entry in ClinVar:

ClinVar aggregate classification (germline): Benign/Likely benign. Review status: criteria provided, multiple submitters, no conflicts (2 of 4 stars). 12 submissions from 12 submitters: Benign (9); Likely benign (2). 1 of the submissions does not count toward it. Last evaluated 2026-02-02.

Conditions:
Autosomal dominant nonsyndromic hearing loss 4A. Also called: Deafness, autosomal dominant 4A. Identifiers: Orphanet 90635, MedGen C1833503, MONDO:0010915, OMIM 600652.

Allele frequency attached by ClinVar (database versions not stated): 1000 Genomes Project 0.00859; 1000 Genomes Project 30x 0.00874; gnomAD 0.01689 and 0.01724; gnomAD exomes 0.01767 and 0.02312; TOPMed 0.01787; ESP Exome Variant Server 0.01934; ExAC 0.02043.
gnomAD v4.1: 36,230 of 1,611,082 alleles (2.2%); highest among the groups gnomAD compares: Non-Finnish European, 2.6%; 503 homozygotes.

Submissions (37):

Labcorp Genetics (formerly Invitae), Labcorp
Classification: Benign. Last evaluated: 2026-02-02. Review status: criteria provided, single submitter. Criteria: Invitae Variant Classification Sherloc (09022015). Collection method: clinical testing. Allele origin: germline.

Dasa
Classification: Likely benign. Last evaluated: 2025-10-29. Review status: criteria provided, single submitter. Criteria: DASA Assertion Criteria. Collection method: clinical testing. Allele origin: germline.
Comment: NM_001145809.2(MYH14):c.3468-3C>T is a splice-region variant. Population frequency is inconsistent with a disease-causing role for this variant. Computational prediction algorithms are consistent with a benign effect. Therefore, based on the currently available evidence, this variant is classified as likely benign.

Blueprint Genetics
Classification: Likely benign. Last evaluated: 2024-11-28. Review status: criteria provided, single submitter. Criteria: ACMG Guidelines, 2015. Collection method: clinical testing. Allele origin: germline.

Mayo Clinic Laboratories, Mayo Clinic
Classification: Benign. Last evaluated: 2021-12-21. Review status: criteria provided, single submitter. Criteria: ACMG Guidelines, 2015. Collection method: clinical testing. Allele origin: germline. Observed: 65 variant alleles.

Athena Diagnostics
Classification: Benign. Last evaluated: 2019-03-13. Review status: criteria provided, single submitter. Criteria: Athena Diagnostics Criteria. Collection method: clinical testing. Allele origin: germline.

Illumina Laboratory Services, Illumina
Classification: Benign for Autosomal dominant nonsyndromic hearing loss 4A. Last evaluated: 2018-01-13. Review status: criteria provided, single submitter. Criteria: ICSL Variant Classification Criteria 13 December 2019. Collection method: clinical testing. Allele origin: germline.
Comment: This variant was observed in the ICSL laboratory as part of a predisposition screen in an ostensibly healthy population. It had not been previously curated by ICSL or reported in the Human Gene Mutation Database (HGMD: prior to June 1st, 2018), and was therefore a candidate for classification through an automated scoring system. Utilizing variant allele frequency, disease prevalence and penetrance estimates, and inheritance mode, an automated score was calculated to assess if this variant is too frequent to cause the disease. Based on the score and internal cut-off values, a variant classified as benign is not then subjected to further curation. The score for this variant resulted in a classification of benign for this disease.

GeneDx
Classification: Benign. Last evaluated: 2017-11-21. Review status: criteria provided, single submitter. Criteria: GeneDx Variant Classification (06012015). Collection method: clinical testing. Allele origin: germline. Affected: yes.
Comment: This variant is considered likely benign or benign based on one or more of the following criteria: it is a conservative change, it occurs at a poorly conserved position in the protein, it is predicted to be benign by multiple in silico algorithms, and/or has population frequency not consistent with disease.

Eurofins Ntd Llc (ga)
Classification: Benign. Last evaluated: 2015-02-09. Review status: criteria provided, single submitter. Criteria: EGL Classification Definitions 2015. Collection method: clinical testing. Allele origin: germline. Observed: 6 variant alleles, 6 heterozygotes.

Laboratory for Molecular Medicine, Mass General Brigham Personalized Medicine
Classification: Benign. Last evaluated: 2012-04-30. Review status: criteria provided, single submitter. Criteria: LMM Criteria. Collection method: clinical testing. Allele origin: germline. Observed: 59 variant alleles.
Comment: 3468-3C>T in Intron 27 of MYH14: This variant is not expected to have clinical s ignificance because it has been identified in 2.5% (165/6628) of European Americ an chromosomes from a broad population by the NHLBI Exome Sequencing Project (dbSNP rs78192108).

Breakthrough Genomics
Classification: Benign. Review status: criteria provided, single submitter. Criteria: ACMG Guidelines, 2015. Collection method: not provided. Allele origin: germline. Inheritance: Autosomal dominant inheritance. Affected: yes.

PreventionGenetics, part of Exact Sciences
Classification: Benign. Review status: criteria provided, single submitter. Criteria: ACMG Guidelines, 2015. Collection method: clinical testing. Allele origin: germline.

Dr. Peter K. Rogan Lab, Western University
No classification provided (evidence only). Condition: Colorectal cancer. Review status: no classification provided. Collection method: in vitro. Allele origin: not applicable. Functional consequence: retained intron. Not counted in ClinVar's aggregate classification.

Dr. Peter K. Rogan Lab, Western University
No classification provided (evidence only). Condition: Colorectal cancer. Review status: no classification provided. Collection method: in vitro. Allele origin: not applicable. Functional consequence: retained intron. Not counted in ClinVar's aggregate classification.

Dr. Peter K. Rogan Lab, Western University
No classification provided (evidence only). Condition: Cervical cancer. Review status: no classification provided. Collection method: in vitro. Allele origin: not applicable. Functional consequence: retained intron. Not counted in ClinVar's aggregate classification.

Dr. Peter K. Rogan Lab, Western University
No classification provided (evidence only). Condition: Cervical cancer. Review status: no classification provided. Collection method: in vitro. Allele origin: not applicable. Functional consequence: retained intron. Not counted in ClinVar's aggregate classification.

Dr. Peter K. Rogan Lab, Western University
No classification provided (evidence only). Condition: Cholangiocarcinoma. Review status: no classification provided. Collection method: in vitro. Allele origin: not applicable. Functional consequence: retained intron. Not counted in ClinVar's aggregate classification.

Dr. Peter K. Rogan Lab, Western University
No classification provided (evidence only). Condition: Ovarian serous cystadenocarcinoma. Review status: no classification provided. Collection method: in vitro. Allele origin: not applicable. Functional consequence: retained intron. Not counted in ClinVar's aggregate classification.

Dr. Peter K. Rogan Lab, Western University
No classification provided (evidence only). Condition: Ovarian serous cystadenocarcinoma. Review status: no classification provided. Collection method: in vitro. Allele origin: not applicable. Functional consequence: retained intron. Not counted in ClinVar's aggregate classification.

Dr. Peter K. Rogan Lab, Western University
No classification provided (evidence only). Condition: Ovarian serous cystadenocarcinoma. Review status: no classification provided. Collection method: in vitro. Allele origin: not applicable. Functional consequence: retained intron. Not counted in ClinVar's aggregate classification.

Dr. Peter K. Rogan Lab, Western University
No classification provided (evidence only). Condition: Adrenocortical carcinoma, hereditary. Review status: no classification provided. Collection method: in vitro. Allele origin: not applicable. Functional consequence: retained intron. Not counted in ClinVar's aggregate classification.

Dr. Peter K. Rogan Lab, Western University
No classification provided (evidence only). Condition: Uterine carcinosarcoma. Review status: no classification provided. Collection method: in vitro. Allele origin: not applicable. Functional consequence: retained intron. Not counted in ClinVar's aggregate classification.

Dr. Peter K. Rogan Lab, Western University
No classification provided (evidence only). Condition: Uterine carcinosarcoma. Review status: no classification provided. Collection method: in vitro. Allele origin: not applicable. Functional consequence: retained intron. Not counted in ClinVar's aggregate classification.

Dr. Peter K. Rogan Lab, Western University
No classification provided (evidence only). Condition: Malignant tumor of esophagus. Review status: no classification provided. Collection method: in vitro. Allele origin: not applicable. Functional consequence: retained intron. Not counted in ClinVar's aggregate classification.

Dr. Peter K. Rogan Lab, Western University
No classification provided (evidence only). Condition: Malignant tumor of esophagus. Review status: no classification provided. Collection method: in vitro. Allele origin: not applicable. Functional consequence: retained intron. Not counted in ClinVar's aggregate classification.

Dr. Peter K. Rogan Lab, Western University
No classification provided (evidence only). Condition: Malignant tumor of esophagus. Review status: no classification provided. Collection method: in vitro. Allele origin: not applicable. Functional consequence: retained intron. Not counted in ClinVar's aggregate classification.

Dr. Peter K. Rogan Lab, Western University
No classification provided (evidence only). Condition: Malignant tumor of esophagus. Review status: no classification provided. Collection method: in vitro. Allele origin: not applicable. Functional consequence: retained intron. Not counted in ClinVar's aggregate classification.

Dr. Peter K. Rogan Lab, Western University
No classification provided (evidence only). Condition: Malignant tumor of esophagus. Review status: no classification provided. Collection method: in vitro. Allele origin: not applicable. Functional consequence: retained intron. Not counted in ClinVar's aggregate classification.

Dr. Peter K. Rogan Lab, Western University
No classification provided (evidence only). Condition: Malignant tumor of esophagus. Review status: no classification provided. Collection method: in vitro. Allele origin: not applicable. Functional consequence: retained intron. Not counted in ClinVar's aggregate classification.

Dr. Peter K. Rogan Lab, Western University
No classification provided (evidence only). Condition: Malignant tumor of esophagus. Review status: no classification provided. Collection method: in vitro. Allele origin: not applicable. Functional consequence: retained intron. Not counted in ClinVar's aggregate classification.

Dr. Peter K. Rogan Lab, Western University
No classification provided (evidence only). Condition: Lung cancer. Review status: no classification provided. Collection method: in vitro. Allele origin: not applicable. Functional consequence: retained intron. Not counted in ClinVar's aggregate classification.

Dr. Peter K. Rogan Lab, Western University
No classification provided (evidence only). Condition: Lung cancer. Review status: no classification provided. Collection method: in vitro. Allele origin: not applicable. Functional consequence: retained intron. Not counted in ClinVar's aggregate classification.

Dr. Peter K. Rogan Lab, Western University
No classification provided (evidence only). Condition: Lung cancer. Review status: no classification provided. Collection method: in vitro. Allele origin: not applicable. Functional consequence: retained intron. Not counted in ClinVar's aggregate classification.

Dr. Peter K. Rogan Lab, Western University
No classification provided (evidence only). Condition: Melanoma. Review status: no classification provided. Collection method: in vitro. Allele origin: not applicable. Functional consequence: retained intron. Not counted in ClinVar's aggregate classification.

Dr. Peter K. Rogan Lab, Western University
No classification provided (evidence only). Condition: Familial cancer of breast. Review status: no classification provided. Collection method: in vitro. Allele origin: not applicable. Functional consequence: retained intron. Not counted in ClinVar's aggregate classification.

Dr. Peter K. Rogan Lab, Western University
No classification provided (evidence only). Condition: Familial cancer of breast. Review status: no classification provided. Collection method: in vitro. Allele origin: not applicable. Functional consequence: retained intron. Not counted in ClinVar's aggregate classification.

Dr. Peter K. Rogan Lab, Western University
No classification provided (evidence only). Condition: Colon adenocarcinoma. Review status: no classification provided. Collection method: in vitro. Allele origin: not applicable. Functional consequence: retained intron. Not counted in ClinVar's aggregate classification.

Genomic Research Center, Shahid Beheshti University of Medical Sciences
No classification provided. Condition: Deafness, autosomal dominant 4. Review status: no classification provided. Collection method: not provided. Allele origin: somatic. Not counted in ClinVar's aggregate classification.
Comment: rs78192108
ClinVar note: Converted during submission from untested to not provided.

NM_001145809.2(MYH14):c.3468-3C>T

Gene: MYH14 (myosin heavy chain 14; plus strand). Cytogenetic location: 19q13.33.
Variant type: single nucleotide variant.
Coding change: c.3468-3C>T on transcript NM_001145809.2 (MANE Select); 3 bases into the intron before coding-DNA position 3468, C replaced by T.
Molecular consequence: intron variant.
Genome position (GRCh38, 1-based): chr19:50,275,988, C>T. VCF-style: chr19-50275988-C-T. GRCh37 (hg19) VCF-style: chr19-50779245-C-T.
Other names: p.?; c.3369-3C>T (NM_001077186.2); c.3345-3C>T (NM_024729.4).
Identifiers: ClinVar variation 44066 (VCV000044066.30), dbSNP rs78192108, ClinGen allele CA210875.
Genomic context (GRCh38, chr19:50,275,988, plus strand): 5'-CAGAAATCATTGCCTCACTCTGGCCTGCCCCTGTATCAACTCCACGGTTCTTGTCACCCC[C>T]AGGGCAGAAGACGAGGGTGGGGCCCGGGCCCAGCTGCTGAAATCCCTGCGGGAGGCTCAA-3'